The following is an entry in ClinVar:

ClinVar aggregate classification (germline): Uncertain significance (1 of 4 stars; one submission).

Submission:

Women's Health and Genetics/Laboratory Corporation of America, LabCorp
Classification: Uncertain significance. Last evaluated: 2024-07-11. Review status: criteria provided, single submitter. Criteria: LabCorp Variant Classification Summary - May 2015. Collection method: clinical testing. Allele origin: germline.
Comment: Variant summary: CAPN3 c.2345T>C (p.Phe782Ser) results in a non-conservative amino acid change located in the Calpain-3, penta-EF-hand domain (IPR029531) of the encoded protein sequence. Five of five in-silico tools predict a damaging effect of the variant on protein function. The variant was absent in 251394 control chromosomes (gnomAD). c.2345T>C has been reported in the literature in at least two compound heterozygous individuals affected with Limb-Girdle Muscular Dystrophy, Autosomal Recessive (e.g. Feng_2018, Zhong_2021, Ozyilmaz_2022). These data indicate that the variant may be associated with disease. To our knowledge, no experimental evidence demonstrating an impact on protein function has been reported. The following publications have been ascertained in the context of this evaluation (PMID: 29797799, 32994280, 35157181). No submitters have cited clinical-significance assessments for this variant to ClinVar. Based on the evidence outlined above, the variant was classified as VUS-possibly pathogenic.

Literature cited by the submitters: PubMed 29797799; PubMed 32994280; PubMed 35157181.

NM_000070.3(CAPN3):c.2345T>C (p.Phe782Ser)

Gene: CAPN3 (calpain 3; plus strand). Cytogenetic location: 15q15.1.
Variant type: single nucleotide variant.
Coding change: c.2345T>C on transcript NM_000070.3 (MANE Select); coding-DNA position 2345, T replaced by C.
Protein change: p.Phe782Ser; replaces phenylalanine 782 with serine.
Molecular consequence: missense variant.
Genome position (GRCh38, 1-based): chr15:42,410,965, T>C. VCF-style: chr15-42410965-T-C. GRCh37 (hg19) VCF-style: chr15-42703163-T-C.
Other names: c.2327T>C, p.Phe776Ser (NM_024344.2); c.2069T>C, p.Phe690Ser (NM_173087.2); c.809T>C, p.Phe270Ser (NM_173088.2); c.350T>C, p.Phe117Ser (NM_173089.2, NM_173090.2); short protein forms F117S, F270S, F690S, F776S, F782S.
Identifiers: ClinVar variation 3338947 (VCV003338947.1).